The following is an entry in ClinVar:

NM_001103.4(ACTN2):c.1943C>G (p.Ala648Gly)

Gene: ACTN2 (actinin alpha 2; plus strand). Cytogenetic location: 1q43.
Variant type: single nucleotide variant.
Coding change: c.1943C>G on transcript NM_001103.4 (MANE Select); coding-DNA position 1943, C replaced by G.
Protein change: p.Ala648Gly; replaces alanine 648 with glycine.
Molecular consequence: missense variant.
Genome position (GRCh38, 1-based): chr1:236,754,050, C>G. VCF-style: chr1-236754050-C-G. GRCh37 (hg19) VCF-style: chr1-236917350-C-G.
Other names: c.1943C>G, p.Ala648Gly (NM_001278343.2); c.1319C>G, p.Ala440Gly (NM_001278344.2); short protein forms A440G, A648G.
Identifiers: ClinVar variation 954846 (VCV000954846.10), dbSNP rs1196167380, ClinGen allele CA345387011.

ClinVar aggregate classification (germline): Uncertain significance (1 of 4 stars; one submission).

Conditions:
Primary familial hypertrophic cardiomyopathy (HCM). Identifiers: Orphanet 99739, MedGen C0949658, MeSH D024741, MONDO:0024573. Inheritance: Various modes of inheritance.
Dilated cardiomyopathy 1AA (CMD1AA). Also called: CARDIOMYOPATHY, DILATED, 1AA, WITH OR WITHOUT LEFT VENTRICULAR NONCOMPACTION; CARDIOMYOPATHY, FAMILIAL HYPERTROPHIC, 23, WITH OR WITHOUT LEFT VENTRICULAR NONCOMPACTION; Cardiomyopathy, dilated, 1AA, with or without LVNC. Identifiers: Orphanet 154, MedGen C2677338, MONDO:0012808, OMIM 612158.

Allele frequency attached by ClinVar (database versions not stated): TOPMed 0.00001.
gnomAD v4.1: 3 of 1,614,150 alleles (0.00019%); highest among the groups gnomAD compares: Non-Finnish European, 0.00017%; no homozygotes.

Submission:

Labcorp Genetics (formerly Invitae), Labcorp
Classification: Uncertain significance for Primary familial hypertrophic cardiomyopathy; Dilated cardiomyopathy 1AA. Last evaluated: 2025-10-03. Review status: criteria provided, single submitter. Criteria: Invitae Variant Classification Sherloc (09022015). Collection method: clinical testing. Allele origin: germline.
Comment: This sequence change replaces alanine, which is neutral and non-polar, with glycine, which is neutral and non-polar, at codon 648 of the ACTN2 protein (p.Ala648Gly). This variant is not present in population databases (gnomAD no frequency). This variant has not been reported in the literature in individuals affected with ACTN2-related conditions. ClinVar contains an entry for this variant (Variation ID: 954846). Invitae Evidence Modeling of protein sequence and biophysical properties (such as structural, functional, and spatial information, amino acid conservation, physicochemical variation, residue mobility, and thermodynamic stability) indicates that this missense variant is not expected to disrupt ACTN2 protein function with a negative predictive value of 80%. In summary, the available evidence is currently insufficient to determine the role of this variant in disease. Therefore, it has been classified as a Variant of Uncertain Significance.